The following is an entry in ClinVar:

ClinVar aggregate classification (germline): Likely benign. Review status: criteria provided, multiple submitters, no conflicts (2 of 4 stars). 3 submissions from 3 submitters: Likely benign (2). 1 of the submissions does not count toward it. Last evaluated 2022-05-19.

Conditions:
ABCG5-related disorder. Also called: ABCG5-related condition.
Cardiovascular phenotype. Identifiers: MedGen CN230736.
Sitosterolemia (STSL). Also called: PHYTOSTEROLEMIA. Identifiers: Orphanet 2882, MedGen C0342907, MONDO:0008863.

Allele frequency attached by ClinVar (database versions not stated): gnomAD 0.00001; TOPMed 0.00001; ExAC 0.00018.
gnomAD v4.1: 82 of 1,553,282 alleles (0.0053%); highest among the groups gnomAD compares: South Asian, 0.078%; 1 homozygote.

Submissions (3):

Labcorp Genetics (formerly Invitae), Labcorp
Classification: Likely benign for Sitosterolemia. Last evaluated: 2022-05-19. Review status: criteria provided, single submitter. Criteria: Invitae Variant Classification Sherloc (09022015). Collection method: clinical testing. Allele origin: germline.

Ambry Genetics
Classification: Likely benign for Cardiovascular phenotype. Last evaluated: 2019-10-26. Review status: criteria provided, single submitter. Criteria: Ambry Variant Classification Scheme 2023. Collection method: clinical testing. Allele origin: germline.

PreventionGenetics, part of Exact Sciences
Classification: Likely benign for ABCG5-related condition. Last evaluated: 2024-07-12. Review status: no assertion criteria provided. Collection method: clinical testing. Allele origin: germline. Not counted in ClinVar's aggregate classification.
Comment: This variant is classified as likely benign based on ACMG/AMP sequence variant interpretation guidelines (Richards et al. 2015 PMID: 25741868, with internal and published modifications).

NM_022436.3(ABCG5):c.366G>C (p.Arg122=)

Gene: ABCG5 (ATP binding cassette subfamily G member 5; minus strand). Cytogenetic location: 2p21.
Variant type: single nucleotide variant.
Coding change: c.366G>C on transcript NM_022436.3 (MANE Select); coding-DNA position 366, G replaced by C.
Protein change: p.Arg122=; no amino-acid change (arginine 122 retained).
Molecular consequence: synonymous variant.
Genome position (GRCh38, 1-based): chr2:43,831,983, C>G on the plus strand (G>C on the coding strand, the complement: ABCG5 is on the minus strand). VCF-style: chr2-43831983-C-G. GRCh37 (hg19) VCF-style: chr2-44059122-C-G.
Identifiers: ClinVar variation 1733772 (VCV001733772.9), dbSNP rs776344516, ClinGen allele CA1636706.
Genomic context (GRCh38, chr2:43,831,983, plus strand): 5'-CAGGGGTGTGGGGGACGCGCCCACCTGCAGGACGTAGGAGAAGCAGTCCTGGAACTGCTC[C>G]CGGCGCAGCGCCCGGCCGTTCACATACACCTCCCCCAGGAAGGTCCCCGCGCGCCCCAGC-3'
Protein context (NP_071881.1, residues 112-132): EVYVNGRALR[Arg122=]EQFQDCFSYV